The following is an entry in ClinVar:

NM_001382.4(DPAGT1):c.324G>C (p.Met108Ile)

Gene: DPAGT1 (dolichyl-phosphate N-acetylglucosaminephosphotransferase 1; minus strand). Cytogenetic location: 11q23.3.
Variant type: single nucleotide variant.
Coding change: c.324G>C on transcript NM_001382.4 (MANE Select); coding-DNA position 324, G replaced by C.
Protein change: p.Met108Ile; replaces methionine 108 with isoleucine.
Molecular consequence: missense variant.
Genome position (GRCh38, 1-based): chr11:119,100,802, C>G on the plus strand (G>C on the coding strand, the complement: DPAGT1 is on the minus strand). VCF-style: chr11-119100802-C-G. GRCh37 (hg19) VCF-style: chr11-118971512-C-G.
Other names: short protein forms M108I.
Identifiers: ClinVar variation 36919 (VCV000036919.16), dbSNP rs376039938, ClinGen allele CA129972.

ClinVar aggregate classification (germline): Pathogenic/Likely pathogenic. Review status: criteria provided, multiple submitters, no conflicts (2 of 4 stars). 6 submissions from 6 submitters: Pathogenic (1); Likely pathogenic (4). 1 of the submissions does not count toward it. Last evaluated 2026-03-07.

Conditions:
Fetal anomalies with a likely genetic cause.
DPAGT1-related disorders.
DPAGT1-related disorder. Also called: DPAGT1-related condition.
Congenital myasthenic syndrome 13 (CMS13). Also called: Myasthenic syndrome, congenital, with tubular aggregates 2; Myasthenic syndrome, congenital, 13, with tubular aggregates. Identifiers: Orphanet 353327, Orphanet 590, MedGen C3553645, MONDO:0013883, OMIM 614750.
DPAGT1-congenital disorder of glycosylation. Also called: CDG Ij; CONGENITAL DISORDER OF GLYCOSYLATION, TYPE Ij; DPAGT1-CDG. Identifiers: Orphanet 86309, MedGen C2931004, MONDO:0011964, OMIM 608093.

Allele frequency attached by ClinVar (database versions not stated): gnomAD exomes 0.00002; ExAC 0.00003; gnomAD 0.00003; TOPMed 0.00005; ESP Exome Variant Server 0.00015.

Submissions (6):

Genetics Laboratory, Great Ormond Street Hospital NHS Foundation Trust, North Thames Genomic Laboratory Hub
Classification: Likely pathogenic for Fetal anomalies with a likely genetic cause. Last evaluated: 2026-03-07. Review status: criteria provided, single submitter. Criteria: ACGS Best Practice Guidelines for Variant Classification in Rare Disease 2024 v1.2. Collection method: clinical testing. Allele origin: germline. Affected: yes.
Comment: PS4_supporting, PM2_moderate, PP3_supporting, PS3_supporting, PM3_moderate, PP4_supporting

Labcorp Genetics (formerly Invitae), Labcorp
Classification: Pathogenic for Congenital myasthenic syndrome 13; DPAGT1-congenital disorder of glycosylation. Last evaluated: 2025-03-04. Review status: criteria provided, single submitter. Criteria: Invitae Variant Classification Sherloc (09022015). Collection method: clinical testing. Allele origin: germline.
Comment: This sequence change replaces methionine, which is neutral and non-polar, with isoleucine, which is neutral and non-polar, at codon 108 of the DPAGT1 protein (p.Met108Ile). This variant is present in population databases (rs376039938, gnomAD 0.004%). This missense change has been observed in individual(s) with clinical features of congenital myasthenic syndrome and/or a congenital disorder of glycosylation (PMID: 22742743, 31153949; internal data). In at least one individual the data is consistent with being in trans (on the opposite chromosome) from a pathogenic variant. ClinVar contains an entry for this variant (Variation ID: 36919). Invitae Evidence Modeling of protein sequence and biophysical properties (such as structural, functional, and spatial information, amino acid conservation, physicochemical variation, residue mobility, and thermodynamic stability) indicates that this missense variant is not expected to disrupt DPAGT1 protein function with a negative predictive value of 80%. Experimental studies have shown that this missense change affects DPAGT1 function (PMID: 30388443). For these reasons, this variant has been classified as Pathogenic.

PreventionGenetics, part of Exact Sciences
Classification: Likely pathogenic for DPAGT1-related condition. Last evaluated: 2025-01-23. Review status: criteria provided, single submitter. Criteria: ACMG Guidelines, 2015. Collection method: clinical testing. Allele origin: germline.
Comment: The DPAGT1 c.324G>C variant is predicted to result in the amino acid substitution p.Met108Ile. This variant has been reported in the compound heterozygous state in an individual with limb-girdle congenital myasthenic syndrome with tubular aggregates (Belaya et al. 2012. PubMed ID: 22742743). It has also been observed in an individual with bilateral congenital cataracts (Etzel et al. 2019. PubMed ID: 31153949). Additionally, a different nucleotide change resulting in the same amino acid substitution, c.324G>A (p.Met108Ile), has been reported in the compound heterozygous state in individuals with DPAGT1-related disorders (Polavarapu et al. 2024. PubMed ID: 37721175; Tao et al. 2023. PubMed ID: 37421173). This variant is reported in 0.0062% of alleles in individuals of African descent in gnomAD. Taken together, this variant is interpreted as likely pathogenic.

Blueprint Genetics
Classification: Likely pathogenic for DPAGT1-related disorders. Last evaluated: 2024-09-05. Review status: criteria provided, single submitter. Criteria: ACMG Guidelines, 2015. Collection method: clinical testing. Allele origin: germline. Affected: yes. Observed: 1 variant allele.

Revvity Omics, Revvity
Classification: Likely pathogenic. Last evaluated: 2022-06-10. Review status: criteria provided, single submitter. Criteria: ACMG Guidelines, 2015. Collection method: clinical testing. Allele origin: germline.

OMIM
Classification: Pathogenic for MYASTHENIC SYNDROME, CONGENITAL, 13. Last evaluated: 2012-07-13. Review status: no assertion criteria provided. Collection method: literature only. Allele origin: germline. Not counted in ClinVar's aggregate classification.

Literature cited by the submitters: PubMed 22742743 (cited by Labcorp Genetics (formerly Invitae), Labcorp and OMIM); PubMed 31153949 (cited by Labcorp Genetics (formerly Invitae), Labcorp); PubMed 30388443 (cited by Labcorp Genetics (formerly Invitae), Labcorp).